The following is an entry in ClinVar:

ClinVar aggregate classification (germline): Uncertain significance (1 of 4 stars; one submission).

Allele frequency attached by ClinVar (database versions not stated): gnomAD 0.00001; gnomAD exomes 0.00001 and 0.00002; ExAC 0.00002; TOPMed 0.00002.
gnomAD v4.1: 10 of 1,613,610 alleles (0.00062%); highest among the groups gnomAD compares: Non-Finnish European, 0.00076%; no homozygotes.

Submission:

GeneDx
Classification: Uncertain significance. Last evaluated: 2022-02-01. Review status: criteria provided, single submitter. Criteria: GeneDx Variant Classification Process June 2021. Collection method: clinical testing. Allele origin: germline. Affected: yes.
Comment: Not observed at significant frequency in large population cohorts (gnomAD); Missense variant in a gene in which most reported pathogenic variants are truncating/loss-of-function; Has not been previously published as pathogenic or benign to our knowledge

NM_001267550.2(TTN):c.99461G>A (p.Arg33154His)

Genes: TTN (titin; minus strand), TTN-AS1 (TTN antisense RNA 1; plus strand). Cytogenetic location: 2q31.2.
Variant type: single nucleotide variant.
Coding change: c.99461G>A on transcript NM_001267550.2 (MANE Select); coding-DNA position 99461, G replaced by A.
Protein change: p.Arg33154His; replaces arginine 33154 with histidine.
Molecular consequence: missense variant.
Genome position (GRCh38, 1-based): chr2:178,537,746, C>T on the plus strand (G>A on the coding strand, the complement: TTN is on the minus strand). VCF-style: chr2-178537746-C-T. GRCh37 (hg19) VCF-style: chr2-179402473-C-T.
Other names: c.94538G>A, p.Arg31513His (NM_001256850.1); c.72266G>A, p.Arg24089His (NM_003319.4); c.91757G>A, p.Arg30586His (NM_133378.4); c.72641G>A, p.Arg24214His (NM_133432.3); c.72842G>A, p.Arg24281His (NM_133437.4); short protein forms R24089H, R24214H, R24281H, R30586H, R31513H, R33154H.
Identifiers: ClinVar variation 1339586 (VCV001339586.2), dbSNP rs753958605, ClinGen allele CA1986183.